The following is an entry in ClinVar:

NM_005859.5(PURA):c.511C>G (p.Arg171Gly)

Gene: PURA (purine rich element binding protein A; plus strand). Cytogenetic location: 5q31.3.
Variant type: single nucleotide variant.
Coding change: c.511C>G on transcript NM_005859.5 (MANE Select); coding-DNA position 511, C replaced by G.
Protein change: p.Arg171Gly; replaces arginine 171 with glycine.
Molecular consequence: missense variant.
Genome position (GRCh38, 1-based): chr5:140,114,692, C>G. VCF-style: chr5-140114692-C-G. GRCh37 (hg19) VCF-style: chr5-139494277-C-G.
Other names: short protein forms R171G.
Identifiers: ClinVar variation 496677 (VCV000496677.3), dbSNP rs1554129100, ClinGen allele CA361490936.

ClinVar aggregate classification (germline): Likely pathogenic. Review status: criteria provided, multiple submitters, no conflicts (2 of 4 stars). 2 submissions from 2 submitters: Likely pathogenic (2). Last evaluated 2025-12-30.

Conditions:
PURA-related severe neonatal hypotonia-seizures-encephalopathy syndrome (NEDRIHF). Also called: PURA-Related Neurodevelopmental Disorders; NEURODEVELOPMENTAL DISORDER WITH NEONATAL RESPIRATORY INSUFFICIENCY, HYPOTONIA, AND FEEDING DIFFICULTIES. Identifiers: Orphanet 438213, Orphanet 438216, MedGen C4015357, MONDO:1060108, OMIM 616158, MONDO:0018580.

Submissions (2):

Greenwood Genetic Center Diagnostic Laboratories, Greenwood Genetic Center
Classification: Likely pathogenic for PURA-related severe neonatal hypotonia-seizures-encephalopathy syndrome. Last evaluated: 2025-12-30. Review status: criteria provided, single submitter. Criteria: ACMG Guidelines, 2015. Collection method: clinical testing. Allele origin: germline. Affected: yes.
Comment: PS2, PS4_Supporting, PM2, PP2

Equipe Genetique des Anomalies du Developpement, Université de Bourgogne
Classification: Likely pathogenic for PURA-related severe neonatal hypotonia-seizures-encephalopathy syndrome. Last evaluated: 2016-09-14. Review status: criteria provided, single submitter. Criteria: ACMG Guidelines, 2015. Collection method: clinical testing. Allele origin: de novo. Affected: yes.